The following is an entry in ClinVar:

NM_025081.3(NYNRIN):c.884T>G (p.Met295Arg)

Gene: NYNRIN (NYN domain and retroviral integrase containing; plus strand). Cytogenetic location: 14q12.
Variant type: single nucleotide variant.
Coding change: c.884T>G on transcript NM_025081.3 (MANE Select); coding-DNA position 884, T replaced by G.
Protein change: p.Met295Arg; replaces methionine 295 with arginine.
Molecular consequence: missense variant.
Genome position (GRCh38, 1-based): chr14:24,408,678, T>G. VCF-style: chr14-24408678-T-G. GRCh37 (hg19) VCF-style: chr14-24877884-T-G.
Other names: short protein forms M295R.
Identifiers: ClinVar variation 4056117 (VCV004056117.2).

ClinVar aggregate classification (germline): Uncertain significance (1 of 4 stars; one submission).

Conditions:
Predisposition to Wilms tumor.

gnomAD v4.1: 1 of 1,611,524 alleles (0.000062%); highest among the groups gnomAD compares: Non-Finnish European, 0.000085%; no homozygotes.

Submission:

St. Jude Molecular Pathology, St. Jude Children's Research Hospital
Classification: Uncertain significance for Predisposition to Wilms tumor. Last evaluated: 2025-06-17. Review status: criteria provided, single submitter. Criteria: St. Jude Assertion Criteria 2020. Collection method: clinical testing. Allele origin: germline.
Comment: The NYNRIN c.884T>G (p.Met295Arg)) missense change is absent in gnomAD v2.1.1. The in silico tool REVEL predicts a benign effect on protein function, but to our knowledge this prediction has not been confirmed by functional studies. To our knowledge, this variant has not been reported in individuals with Wilms tumor. In summary, the evidence currently available is insufficient to determine the clinical significance of this variant. It has therefore been classified as of uncertain significance.